The following is an entry in ClinVar:

NM_001083961.2(WDR62):c.1823G>A (p.Arg608His)

Gene: WDR62 (WD repeat domain 62; plus strand). Cytogenetic location: 19q13.12.
Variant type: single nucleotide variant.
Coding change: c.1823G>A on transcript NM_001083961.2 (MANE Select); coding-DNA position 1823, G replaced by A.
Protein change: p.Arg608His; replaces arginine 608 with histidine.
Molecular consequence: missense variant.
Genome position (GRCh38, 1-based): chr19:36,089,092, G>A. VCF-style: chr19-36089092-G-A. GRCh37 (hg19) VCF-style: chr19-36579994-G-A.
Other names: c.1808G>A, p.Arg603His (NM_001411145.1); c.1823G>A, p.Arg608His (NM_001411146.1, NM_173636.5); c.1472G>A, p.Arg491His (NM_001411147.1); short protein forms R491H, R603H, R608H.
Identifiers: ClinVar variation 1950893 (VCV001950893.3), dbSNP rs774588484, ClinGen allele CA9395737.

ClinVar aggregate classification (germline): Uncertain significance (1 of 4 stars; one submission).

gnomAD v4.1: 14 of 1,613,982 alleles (0.00087%); highest among the groups gnomAD compares: East Asian, 0.0022%; no homozygotes.

Submission:

Labcorp Genetics (formerly Invitae), Labcorp
Classification: Uncertain significance. Last evaluated: 2023-10-16. Review status: criteria provided, single submitter. Criteria: Invitae Variant Classification Sherloc (09022015). Collection method: clinical testing. Allele origin: germline.
Comment: This sequence change replaces arginine, which is basic and polar, with histidine, which is basic and polar, at codon 608 of the WDR62 protein (p.Arg608His). This variant is present in population databases (rs774588484, gnomAD 0.002%). This variant has not been reported in the literature in individuals affected with WDR62-related conditions. ClinVar contains an entry for this variant (Variation ID: 1950893). Advanced modeling of protein sequence and biophysical properties (such as structural, functional, and spatial information, amino acid conservation, physicochemical variation, residue mobility, and thermodynamic stability) has been performed at Invitae for this missense variant, however the output from this modeling did not meet the statistical confidence thresholds required to predict the impact of this variant on WDR62 protein function. In summary, the available evidence is currently insufficient to determine the role of this variant in disease. Therefore, it has been classified as a Variant of Uncertain Significance.